The following is an entry in ClinVar:

NM_004655.4(AXIN2):c.1409A>C (p.His470Pro)

Gene: AXIN2 (axin 2; minus strand). Cytogenetic location: 17q24.1.
Variant type: single nucleotide variant.
Coding change: c.1409A>C on transcript NM_004655.4 (MANE Select); coding-DNA position 1409, A replaced by C.
Protein change: p.His470Pro; replaces histidine 470 with proline.
Molecular consequence: missense variant.
Genome position (GRCh38, 1-based): chr17:65,537,627, T>G on the plus strand (A>C on the coding strand, the complement: AXIN2 is on the minus strand). VCF-style: chr17-65537627-T-G. GRCh37 (hg19) VCF-style: chr17-63533745-T-G.
Other names: c.1409A>C, p.His470Pro (NM_001363813.1); short protein forms H470P.
Identifiers: ClinVar variation 3692325 (VCV003692325.3).

ClinVar aggregate classification (germline): Uncertain significance. Review status: criteria provided, multiple submitters, no conflicts (2 of 4 stars). 2 submissions from 2 submitters: Uncertain significance (2). Last evaluated 2025-12-03.

Conditions:
Hereditary cancer-predisposing syndrome. Also called: Tumor predisposition; Neoplastic Syndromes, Hereditary; Hereditary Cancer Syndrome; Hereditary neoplastic syndrome. Identifiers: Orphanet 140162, MedGen C0027672, MeSH D009386, MONDO:0015356.
Oligodontia-cancer predisposition syndrome. Also called: TOOTH AGENESIS-COLORECTAL CANCER SYNDROME. Identifiers: Orphanet 300576, MedGen C1837750, MONDO:0012075, OMIM 608615. Disease mechanism: loss of function.

gnomAD v4.1: 2 of 1,592,340 alleles (0.00013%); highest among the groups gnomAD compares: Non-Finnish European, 0.000085%; no homozygotes.

Submissions (2):

Ambry Genetics
Classification: Uncertain significance for Hereditary cancer-predisposing syndrome. Last evaluated: 2025-12-03. Review status: criteria provided, single submitter. Criteria: Ambry Variant Classification Scheme 2023. Collection method: clinical testing. Allele origin: germline.
Comment: The p.H470P variant (also known as c.1409A>C), located in coding exon 5 of the AXIN2 gene, results from an A to C substitution at nucleotide position 1409. The histidine at codon 470 is replaced by proline, an amino acid with similar properties. This amino acid position is conserved. In addition, this alteration is predicted to be tolerated by in silico analysis. Based on the available evidence, the clinical significance of this variant remains unclear.

Labcorp Genetics (formerly Invitae), Labcorp
Classification: Uncertain significance for Oligodontia-cancer predisposition syndrome. Last evaluated: 2024-03-06. Review status: criteria provided, single submitter. Criteria: Invitae Variant Classification Sherloc (09022015). Collection method: clinical testing. Allele origin: germline.
Comment: This sequence change replaces histidine, which is basic and polar, with proline, which is neutral and non-polar, at codon 470 of the AXIN2 protein (p.His470Pro). This variant is not present in population databases (gnomAD no frequency). This variant has not been reported in the literature in individuals affected with AXIN2-related conditions. Advanced modeling of protein sequence and biophysical properties (such as structural, functional, and spatial information, amino acid conservation, physicochemical variation, residue mobility, and thermodynamic stability) performed at Invitae indicates that this missense variant is not expected to disrupt AXIN2 protein function with a negative predictive value of 80%. In summary, the available evidence is currently insufficient to determine the role of this variant in disease. Therefore, it has been classified as a Variant of Uncertain Significance.